The following is an entry in ClinVar:

NM_000489.6(ATRX):c.514A>G (p.Thr172Ala)

Gene: ATRX (ATRX chromatin remodeler; minus strand). Cytogenetic location: Xq21.1.
Variant type: single nucleotide variant.
Coding change: c.514A>G on transcript NM_000489.6 (MANE Select); coding-DNA position 514, A replaced by G.
Protein change: p.Thr172Ala; replaces threonine 172 with alanine.
Molecular consequence: missense variant.
Genome position (GRCh38, 1-based): chrX:77,688,898, T>C on the plus strand (A>G on the coding strand, the complement: ATRX is on the minus strand). VCF-style: chrX-77688898-T-C. GRCh37 (hg19) VCF-style: chrX-76944391-T-C.
Other names: c.400A>G, p.Thr134Ala (NM_138270.5); short protein forms T134A, T172A.
Identifiers: ClinVar variation 1717089 (VCV001717089.6), dbSNP rs2148657118, ClinGen allele CA413722709.

ClinVar aggregate classification (germline): Uncertain significance (1 of 4 stars; one submission).

Conditions:
Alpha thalassemia-X-linked intellectual disability syndrome (ATRX). Also called: ALPHA-THALASSEMIA/MENTAL RETARDATION SYNDROME, X-LINKED; ATR, NONDELETION TYPE; X-linked alpha-thalassemia-mental retardation syndrome; ATR-X syndrome; Alpha thalassemia mental retardation syndrome, nondeletion type, X-linked; XLMR hypotonic face syndrome. Identifiers: Orphanet 847, MedGen C1845055, MONDO:0010519, OMIM 301040.

Submission:

Labcorp Genetics (formerly Invitae), Labcorp
Classification: Uncertain significance for Alpha thalassemia-X-linked intellectual disability syndrome. Last evaluated: 2022-07-17. Review status: criteria provided, single submitter. Criteria: Invitae Variant Classification Sherloc (09022015). Collection method: clinical testing. Allele origin: germline.
Comment: In summary, the available evidence is currently insufficient to determine the role of this variant in disease. Therefore, it has been classified as a Variant of Uncertain Significance. This sequence change replaces threonine, which is neutral and polar, with alanine, which is neutral and non-polar, at codon 172 of the ATRX protein (p.Thr172Ala). This variant is not present in population databases (gnomAD no frequency). This variant has not been reported in the literature in individuals affected with ATRX-related conditions. Advanced modeling of protein sequence and biophysical properties (such as structural, functional, and spatial information, amino acid conservation, physicochemical variation, residue mobility, and thermodynamic stability) performed at Invitae indicates that this missense variant is expected to disrupt ATRX protein function.